The following is an entry in ClinVar:

NM_001009944.3(PKD1):c.8844G>A (p.Ser2948=)

Gene: PKD1 (polycystin 1, transient receptor potential channel interacting; minus strand). Cytogenetic location: 16p13.3.
Variant type: single nucleotide variant.
Coding change: c.8844G>A on transcript NM_001009944.3 (MANE Select); coding-DNA position 8844, G replaced by A.
Protein change: p.Ser2948=; no amino-acid change (serine 2948 retained).
Molecular consequence: synonymous variant.
Genome position (GRCh38, 1-based): chr16:2,102,918, C>T on the plus strand (G>A on the coding strand, the complement: PKD1 is on the minus strand). VCF-style: chr16-2102918-C-T. GRCh37 (hg19) VCF-style: chr16-2152919-C-T.
Other names: p.Ser2948=; c.8844G>A, p.Ser2948= (NM_000296.4).
Identifiers: ClinVar variation 1200324 (VCV001200324.7), dbSNP rs141713126, ClinGen allele CA7830331.

ClinVar aggregate classification (germline): Likely benign. Review status: criteria provided, multiple submitters, no conflicts (2 of 4 stars). 4 submissions from 4 submitters: Likely benign (3). 1 of the submissions does not count toward it. Last evaluated 2025-09-14.

Conditions:
PKD1-related disorder. Also called: PKD1-related condition.

Allele frequency attached by ClinVar (database versions not stated): gnomAD exomes 0.00014 and 0.00033; ExAC 0.00041; 1000 Genomes Project 0.00060; 1000 Genomes Project 30x 0.00062; ESP Exome Variant Server 0.00085; gnomAD 0.00115 and 0.00124; TOPMed 0.00132.
gnomAD v4.1: 387 of 1,609,438 alleles (0.024%); highest among the groups gnomAD compares: African/African-American, 0.42%; no homozygotes.

Submissions (4):

Mayo Clinic Laboratories, Mayo Clinic
Classification: Likely benign. Last evaluated: 2025-09-14. Review status: criteria provided, single submitter. Criteria: ACMG Guidelines, 2015. Collection method: clinical testing. Allele origin: germline. Observed: 2 variant alleles.
Comment: BS1, BP4, BP7

Blueprint Genetics
Classification: Likely benign. Last evaluated: 2024-03-28. Review status: criteria provided, single submitter. Criteria: ACMG Guidelines, 2015. Collection method: clinical testing. Allele origin: germline.

GeneDx
Classification: Likely benign. Last evaluated: 2020-04-06. Review status: criteria provided, single submitter. Criteria: GeneDx Variant Classification Process June 2021. Collection method: clinical testing. Allele origin: germline. Affected: yes.

PreventionGenetics, part of Exact Sciences
Classification: Likely benign for PKD1-related condition. Last evaluated: 2021-02-16. Review status: no assertion criteria provided. Collection method: clinical testing. Allele origin: germline. Not counted in ClinVar's aggregate classification.
Comment: This variant is classified as likely benign based on ACMG/AMP sequence variant interpretation guidelines (Richards et al. 2015 PMID: 25741868, with internal and published modifications).